The following is an entry in ClinVar:

ClinVar aggregate classification (germline): Pathogenic. Review status: reviewed by expert panel (3 of 4 stars). 7 submissions from 7 submitters: Pathogenic (1). 6 of the submissions do not count toward it. Last evaluated 2025-01-08.

Conditions:
SGCB-related disorder. Also called: SGCB-related condition.
Autosomal recessive limb-girdle muscular dystrophy. Identifiers: Orphanet 102015, MedGen C2931907, MONDO:0015152.
Autosomal recessive limb-girdle muscular dystrophy type 2E (LGMDR4). Also called: MUSCULAR DYSTROPHY, LIMB-GIRDLE, AUTOSOMAL RECESSIVE 4. Identifiers: Orphanet 119, MedGen C1858593, MONDO:0011423, OMIM 604286. Disease mechanism: Affects gamma-sarcoglycan and also disrupts the integrity of the entire sarcoglycan complex..

Allele frequency attached by ClinVar (database versions not stated): gnomAD exomes below 0.00001; TOPMed 0.00002.

Submissions (7):

ClinGen Limb Girdle Muscular Dystrophy Variant Curation Expert Panel, ClinGen
Classification: Pathogenic for Autosomal recessive limb-girdle muscular dystrophy. Last evaluated: 2025-01-08. Review status: reviewed by expert panel. Criteria: ClinGen LGMD VCEP ACMG Specifications SGCB V1.0.0. Collection method: curation. Allele origin: germline. Inheritance: Autosomal recessive inheritance.
Comment: The NM_000232.5: c.391C>T p.(Arg131Ter) variant in SGCB is a nonsense variant predicted to cause a premature stop codon in biologically relevant exon 3/6, leading to nonsense mediated decay in a gene in which loss of function is an established disease mechanism (PVS1). This variant has been identified in trans with second presumed diagnostic SGCB variant in one patient with progressive limb girdle muscle weakness and reduced expression of beta-sarcoglycan protein in skeletal muscle; however, the VCEP could not confirm the extent of the reduction (PP4; ClinVar SCV000748307.5 internal data communication). This variant is absent from gnomAD v2.1.1 and v.3.1.2 (PM2_Supporting). In summary, this variant meets the criteria to be classified as Pathogenic for autosomal recessive limb girdle muscular dystrophy based on the ACMG/AMP criteria applied, as specified by the ClinGen LGMD VCEP (LGMD VCEP specifications version 1.0.0; 01/08/2025): PVS1, PP4, PM2_Supporting.

Labcorp Genetics (formerly Invitae), Labcorp
Classification: Pathogenic for Autosomal recessive limb-girdle muscular dystrophy type 2E. Last evaluated: 2026-01-18. Review status: criteria provided, single submitter. Criteria: Invitae Variant Classification Sherloc (09022015). Collection method: clinical testing. Allele origin: germline. Not counted in ClinVar's aggregate classification.
Comment: This sequence change creates a premature translational stop signal (p.Arg131*) in the SGCB gene. It is expected to result in an absent or disrupted protein product. Loss-of-function variants in SGCB are known to be pathogenic (PMID: 15938573, 18285821). This variant is not present in population databases (gnomAD no frequency). This variant has not been reported in the literature in individuals affected with SGCB-related conditions. ClinVar contains an entry for this variant (Variation ID: 523842). For these reasons, this variant has been classified as Pathogenic.

Natera, Inc.
Classification: Likely pathogenic for Limb-girdle muscular dystrophy type 2E. Last evaluated: 2025-06-12. Review status: criteria provided, single submitter. Criteria: Natera Variant Classification Schema (03/2026). Collection method: clinical testing. Allele origin: germline. Not counted in ClinVar's aggregate classification.
Comment: The c.391C>T variant in SGCB is a nonsense variant predicted to introduce a stop codon at amino acid 131. This variant is expected to result in nonsense mediated decay, truncation, or a dysfunctional protein product. This variant is rare in the general population with a frequency below the threshold expected for the associated phenotype(s). Given the available evidence, this variant is classified as Likely Pathogenic.

3billion
Classification: Pathogenic for Autosomal recessive limb-girdle muscular dystrophy type 2E. Last evaluated: 2024-11-11. Review status: criteria provided, single submitter. Criteria: ACMG Guidelines, 2015. Collection method: clinical testing. Allele origin: germline. Affected: yes. Not counted in ClinVar's aggregate classification.
Comment: The variant is observed at an extremely low frequency in the gnomAD v4.1.0 dataset (total allele frequency: <0.001%). Predicted Consequence/Location: Stop-gained (nonsense): predicted to result in a loss or disruption of normal protein function through nonsense-mediated decay (NMD) or protein truncation. Multiple pathogenic variants are reported downstream of the variant. The variant has been reported at least twice as pathogenic with clinical assertions and evidence for the classification (ClinVar ID: VCV000523842 /PMID: 31589614). Therefore, this variant is classified as Pathogenic according to the recommendation of ACMG/AMP guideline.

Revvity Omics, Revvity
Classification: Likely pathogenic for Autosomal recessive limb-girdle muscular dystrophy type 2E. Last evaluated: 2023-02-01. Review status: criteria provided, single submitter. Criteria: ACMG Guidelines, 2015. Collection method: clinical testing. Allele origin: germline. Not counted in ClinVar's aggregate classification.

GeneDx
Classification: Pathogenic. Last evaluated: 2022-03-15. Review status: criteria provided, single submitter. Criteria: GeneDx Variant Classification Process June 2021. Collection method: clinical testing. Allele origin: germline. Affected: yes. Not counted in ClinVar's aggregate classification.
Comment: Nonsense variant predicted to result in protein truncation or nonsense mediated decay in a gene for which loss-of-function is a known mechanism of disease; Not observed at significant frequency in large population cohorts (gnomAD); Has not been previously published as pathogenic or benign to our knowledge; This variant is associated with the following publications: (PMID: 31589614)

Blueprint Genetics
Classification: Pathogenic for SGCB-related disorders. Last evaluated: 2022-01-12. Review status: criteria provided, single submitter. Criteria: ACMG Guidelines, 2015. Collection method: clinical testing. Allele origin: germline. Affected: yes. Observed: 3 variant alleles. Not counted in ClinVar's aggregate classification.

Literature cited by the submitters: PubMed 15938573 (cited by Labcorp Genetics (formerly Invitae), Labcorp); PubMed 18285821 (cited by Labcorp Genetics (formerly Invitae), Labcorp); PubMed 31589614 (cited by 3billion).

NM_000232.5(SGCB):c.391C>T (p.Arg131Ter)

Gene: SGCB (sarcoglycan beta; minus strand). Cytogenetic location: 4q12.
Variant type: single nucleotide variant.
Coding change: c.391C>T on transcript NM_000232.5 (MANE Select); coding-DNA position 391, C replaced by T.
Protein change: p.Arg131Ter; replaces arginine 131 with a stop codon.
Molecular consequence: nonsense.
Genome position (GRCh38, 1-based): chr4:52,029,716, G>A on the plus strand (C>T on the coding strand, the complement: SGCB is on the minus strand). VCF-style: chr4-52029716-G-A. GRCh37 (hg19) VCF-style: chr4-52895882-G-A.
Other names: NM_000232.5(SGCB):c.391C>T; p.Arg131Ter; short protein forms R131*.
Identifiers: ClinVar variation 523842 (VCV000523842.20), dbSNP rs1013015106, ClinGen allele CA96782984.